The following is an entry in ClinVar:

NM_001365480.1(CCDC88A):c.5287G>C (p.Asp1763His)

Gene: CCDC88A (coiled-coil and HOOK domain protein 88A; minus strand). Cytogenetic location: 2p16.1.
Variant type: single nucleotide variant.
Coding change: c.5287G>C on transcript NM_001365480.1 (MANE Select); coding-DNA position 5287, G replaced by C.
Protein change: p.Asp1763His; replaces aspartic acid 1763 with histidine.
Molecular consequence: missense variant. On other transcripts: intron variant (1).
Genome position (GRCh38, 1-based): chr2:55,295,861, C>G on the plus strand (G>C on the coding strand, the complement: CCDC88A is on the minus strand). VCF-style: chr2-55295861-C-G. GRCh37 (hg19) VCF-style: chr2-55522997-C-G.
Other names: c.5284G>C, p.Asp1762His (NM_001135597.2); c.5203G>C, p.Asp1735His (NM_018084.5); c.5195+89G>C (NM_001254943.2); c.5284G>C (NM_001135597.1); short protein forms D1763H, D1735H, D1762H.
Identifiers: ClinVar variation 1404237 (VCV001404237.5), dbSNP rs764333652, ClinGen allele CA1665350.

ClinVar aggregate classification (germline): Uncertain significance. Review status: criteria provided, multiple submitters, no conflicts (2 of 4 stars). 2 submissions from 2 submitters: Uncertain significance (2). Last evaluated 2025-10-20.

Allele frequency attached by ClinVar (database versions not stated): gnomAD 0.00001; ExAC 0.00003; gnomAD exomes 0.00003 and 0.00006; TOPMed 0.00005.
gnomAD v4.1: 20 of 1,613,966 alleles (0.0012%); highest among the groups gnomAD compares: Admixed American, 0.033%; no homozygotes.

Submissions (2):

Labcorp Genetics (formerly Invitae), Labcorp
Classification: Uncertain significance. Last evaluated: 2025-10-20. Review status: criteria provided, single submitter. Criteria: Invitae Variant Classification Sherloc (09022015). Collection method: clinical testing. Allele origin: germline.
Comment: This sequence change replaces aspartic acid, which is acidic and polar, with histidine, which is basic and polar, at codon 1762 of the CCDC88A protein (p.Asp1762His). This variant is present in population databases (rs764333652, gnomAD 0.04%). This variant has not been reported in the literature in individuals affected with CCDC88A-related conditions. ClinVar contains an entry for this variant (Variation ID: 1404237). An algorithm developed to predict the effect of missense changes on protein structure and function (PolyPhen-2) suggests that this variant is likely to be disruptive. In summary, the available evidence is currently insufficient to determine the role of this variant in disease. Therefore, it has been classified as a Variant of Uncertain Significance.

Ambry Genetics
Classification: Uncertain significance. Last evaluated: 2024-01-22. Review status: criteria provided, single submitter. Criteria: Ambry Variant Classification Scheme 2023. Collection method: clinical testing. Allele origin: germline.